The following is an entry in ClinVar:

ClinVar aggregate classification (germline): Uncertain significance (1 of 4 stars; one submission).

Conditions:
Arrhythmogenic right ventricular dysplasia 8 (ARVD8). Also called: ARRHYTHMOGENIC RIGHT VENTRICULAR DYSPLASIA, FAMILIAL, 8; ARRHYTHMOGENIC RIGHT VENTRICULAR CARDIOMYOPATHY 8; Arrhythmogenic Right Ventricular Dysplasia/Cardiomyopathy 8. Identifiers: MedGen C1843896, MONDO:0011831, OMIM 607450.
Arrhythmogenic cardiomyopathy with wooly hair and keratoderma. Also called: Carvajal syndrome; Dilated cardiomyopathy with woolly hair and keratoderma; PALMOPLANTAR KERATODERMA WITH LEFT VENTRICULAR CARDIOMYOPATHY AND WOOLLY HAIR; Arrhythmogenic cardiomyopathy with woolly hair and keratoderma. Identifiers: Orphanet 65282, MedGen C1854063, MONDO:0011581, OMIM 605676.

Submission:

Labcorp Genetics (formerly Invitae), Labcorp
Classification: Uncertain significance for Arrhythmogenic cardiomyopathy with wooly hair and keratoderma; Arrhythmogenic right ventricular dysplasia 8. Last evaluated: 2019-11-26. Review status: criteria provided, single submitter. Criteria: Invitae Variant Classification Sherloc (09022015). Collection method: clinical testing. Allele origin: germline.
Comment: Algorithms developed to predict the effect of missense changes on protein structure and function are either unavailable or do not agree on the potential impact of this missense change (SIFT: "Deleterious"; PolyPhen-2: "Possibly Damaging"; Align-GVGD: "Class C15"). In summary, the available evidence is currently insufficient to determine the role of this variant in disease. Therefore, it has been classified as a Variant of Uncertain Significance. This variant has not been reported in the literature in individuals with DSP-related conditions. This variant is not present in population databases (ExAC no frequency). This sequence change replaces glycine with aspartic acid at codon 2636 of the DSP protein (p.Gly2636Asp). The glycine residue is moderately conserved and there is a moderate physicochemical difference between glycine and aspartic acid.

NM_004415.4(DSP):c.7907G>A (p.Gly2636Asp)

Gene: DSP (desmoplakin; plus strand). Cytogenetic location: 6p24.3.
Variant type: single nucleotide variant.
Coding change: c.7907G>A on transcript NM_004415.4 (MANE Select); coding-DNA position 7907, G replaced by A.
Protein change: p.Gly2636Asp; replaces glycine 2636 with aspartic acid.
Molecular consequence: missense variant.
Genome position (GRCh38, 1-based): chr6:7,585,169, G>A. VCF-style: chr6-7585169-G-A. GRCh37 (hg19) VCF-style: chr6-7585402-G-A.
Other names: c.6110G>A, p.Gly2037Asp (NM_001008844.3); c.6578G>A, p.Gly2193Asp (NM_001319034.2); short protein forms G2037D, G2636D, G2193D.
Identifiers: ClinVar variation 848435 (VCV000848435.10), dbSNP rs1759605211, ClinGen allele CA362694038.